The following is an entry in ClinVar:

ClinVar aggregate classification (germline): Uncertain significance (1 of 4 stars; one submission).

gnomAD v4.1: 1 of 1,611,732 alleles (0.000062%); highest among the groups gnomAD compares: South Asian, 0.0011%; no homozygotes.

Submission:

Laboratory for Molecular Medicine, Mass General Brigham Personalized Medicine
Classification: Uncertain significance. Last evaluated: 2014-04-10. Review status: criteria provided, single submitter. Criteria: LMM Criteria. Collection method: clinical testing. Allele origin: germline. Observed: 1 variant allele.
Comment: The Arg5884Gly variant in TTN has not been previously reported in individuals wi th cardiomyopathy or in large population studies. Computational prediction tools and conservation analysis suggest that this variant may not impact the protein, though this information is not predictive enough to rule out pathogenicity. Add itional information is needed to fully assess the clinical significance of the A rg5884Gly variant.

NM_001267550.2(TTN):c.21382C>G (p.Arg7128Gly)

Genes: TTN (titin; minus strand), LOC126806428 (BRD4-independent group 4 enhancer GRCh37_chr2:179588362-179589561; plus strand). Cytogenetic location: 2q31.2.
Variant type: single nucleotide variant.
Coding change: c.21382C>G on transcript NM_001267550.2 (MANE Select); coding-DNA position 21382, C replaced by G.
Protein change: p.Arg7128Gly; replaces arginine 7128 with glycine.
Molecular consequence: missense variant. On other transcripts: intron variant (3).
Genome position (GRCh38, 1-based): chr2:178,723,877, G>C on the plus strand (C>G on the coding strand, the complement: TTN is on the minus strand). VCF-style: chr2-178723877-G-C. GRCh37 (hg19) VCF-style: chr2-179588604-G-C.
Other names: c.17650C>G, p.Arg5884Gly (NM_133378.4); c.20431C>G, p.Arg6811Gly (NM_001256850.1); c.13282+14205C>G (NM_003319.4); c.13858+14205C>G (NM_133437.4); c.13657+14205C>G (NM_133432.3); short protein forms R5884G, R7128G, R6811G.
Identifiers: ClinVar variation 179661 (VCV000179661.5), dbSNP rs727505031, ClinGen allele CA184867.